The following is an entry in ClinVar:

NM_001377299.1(NDUFS2):c.287G>C (p.Arg96Pro)

Gene: NDUFS2 (NADH:ubiquinone oxidoreductase core subunit S2; plus strand). Cytogenetic location: 1q23.3.
Variant type: single nucleotide variant.
Coding change: c.287G>C on transcript NM_001377299.1 (MANE Select); coding-DNA position 287, G replaced by C.
Protein change: p.Arg96Pro; replaces arginine 96 with proline.
Molecular consequence: missense variant. On other transcripts: non-coding transcript variant (1).
Genome position (GRCh38, 1-based): chr1:161,206,491, G>C. VCF-style: chr1-161206491-G-C. GRCh37 (hg19) VCF-style: chr1-161176281-G-C.
Other names: c.287G>C, p.Arg96Pro (NM_001166159.2, NM_001377298.1, NM_001377300.1 and 3 more transcripts); short protein forms R96P.
Identifiers: ClinVar variation 1208141 (VCV001208141.4), dbSNP rs374834794, ClinGen allele CA343378008.

ClinVar aggregate classification (germline): Uncertain significance (1 of 4 stars; one submission).

Allele frequency attached by ClinVar (database versions not stated): gnomAD exomes below 0.00001.
gnomAD v4.1: 1 of 1,614,248 alleles (0.000062%); highest among the groups gnomAD compares: Non-Finnish European, 0.000085%; no homozygotes.

Submission:

GeneDx
Classification: Uncertain significance. Last evaluated: 2026-09-24. Review status: criteria provided, single submitter. Criteria: GeneDx Variant Classification Process June 2021. Collection method: clinical testing. Allele origin: germline.
Comment: Not observed at significant frequency in large population cohorts (gnomAD); In silico analysis supports that this missense variant has a deleterious effect on protein structure/function; Has not been previously published as pathogenic or benign to our knowledge